The following is an entry in ClinVar:

ClinVar aggregate classification (germline): Uncertain significance. Review status: criteria provided, multiple submitters, no conflicts (2 of 4 stars). 3 submissions from 3 submitters: Uncertain significance (3). Last evaluated 2021-08-30.

Conditions:
Primary ciliary dyskinesia. Also called: Ciliary dyskinesia. Identifiers: Orphanet 244, MedGen C0008780, MONDO:0016575, HP:0012265.
Primary ciliary dyskinesia 13. Also called: CILIARY DYSKINESIA, PRIMARY, 13, WITH OR WITHOUT SITUS INVERSUS. Identifiers: Orphanet 244, MedGen C2750790, MONDO:0013174, OMIM 613193.

Allele frequency attached by ClinVar (database versions not stated): ExAC 0.00008; ESP Exome Variant Server 0.00008; TOPMed 0.00013.
gnomAD v4.1: 141 of 1,613,890 alleles (0.0087%); highest among the groups gnomAD compares: African/African-American, 0.045%; 1 homozygote.

Submissions (3):

Labcorp Genetics (formerly Invitae), Labcorp
Classification: Uncertain significance for Primary ciliary dyskinesia. Last evaluated: 2021-08-30. Review status: criteria provided, single submitter. Criteria: Invitae Variant Classification Sherloc (09022015). Collection method: clinical testing. Allele origin: germline.
Comment: This sequence change replaces alanine with threonine at codon 75 of the DNAAF1 protein (p.Ala75Thr). The alanine residue is weakly conserved and there is a small physicochemical difference between alanine and threonine. This variant is present in population databases (rs200440212, ExAC 0.1%). This variant has not been reported in the literature in individuals affected with DNAAF1-related conditions. ClinVar contains an entry for this variant (Variation ID: 525293). Algorithms developed to predict the effect of missense changes on protein structure and function output the following: SIFT: "Tolerated"; PolyPhen-2: "Benign"; Align-GVGD: "Class C0". The threonine amino acid residue is found in multiple mammalian species, which suggests that this missense change does not adversely affect protein function. In summary, the available evidence is currently insufficient to determine the role of this variant in disease. Therefore, it has been classified as a Variant of Uncertain Significance.

Illumina Laboratory Services, Illumina
Classification: Uncertain significance for Primary ciliary dyskinesia 13. Last evaluated: 2018-01-13. Review status: criteria provided, single submitter. Criteria: ICSL Variant Classification Criteria 13 December 2019. Collection method: clinical testing. Allele origin: germline.

Ambry Genetics
Classification: Uncertain significance for Primary ciliary dyskinesia. Last evaluated: 2017-06-28. Review status: criteria provided, single submitter. Criteria: Ambry Variant Classification Scheme 2023. Collection method: clinical testing. Allele origin: germline.
Comment: The p.A75T variant (also known as c.223G>A), located in coding exon 2 of the DNAAF1 gene, results from a G to A substitution at nucleotide position 223. The alanine at codon 75 is replaced by threonine, an amino acid with similar properties. This amino acid position is not well conserved in available vertebrate species. In addition, this alteration is predicted to be tolerated by in silico analysis. Since supporting evidence is limited at this time, the clinical significance of this alteration remains unclear.

NM_178452.6(DNAAF1):c.223G>A (p.Ala75Thr)

Gene: DNAAF1 (dynein axonemal assembly factor 1; plus strand). Cytogenetic location: 16q24.1.
Variant type: single nucleotide variant.
Coding change: c.223G>A on transcript NM_178452.6 (MANE Select); coding-DNA position 223, G replaced by A.
Protein change: p.Ala75Thr; replaces alanine 75 with threonine.
Molecular consequence: missense variant.
Genome position (GRCh38, 1-based): chr16:84,149,105, G>A. VCF-style: chr16-84149105-G-A. GRCh37 (hg19) VCF-style: chr16-84182710-G-A.
Other names: short protein forms A75T.
Identifiers: ClinVar variation 525293 (VCV000525293.15), dbSNP rs200440212, ClinGen allele CA8202398.
Genomic context (GRCh38, chr16:84,149,105, plus strand): 5'-GACACATCCTACCACAGCCAGCAGAAACAGAGTGGTGATAATGGGTCAGGTGGTCACTTC[G>A]CACACCCAAGAGAAGACAGGGAAGATCGGGGCCCCAGGTATGTGGGCATACTCCTAATTA-3'
Protein context (NP_848547.4, residues 65-85): SGDNGSGGHF[Ala75Thr]HPREDREDRG